The following is an entry in ClinVar:

ClinVar aggregate classification (germline): Uncertain significance. Review status: criteria provided, multiple submitters, no conflicts (2 of 4 stars). 3 submissions from 3 submitters: Uncertain significance (3). Last evaluated 2025-12-04.

Conditions:
Gastrointestinal stromal tumor. Also called: Gastrointestinal stromal tumor, somatic; Gastrointestinal stroma tumor. Identifiers: Orphanet 44890, MedGen C0238198, MeSH D046152, MONDO:0011719, OMIM 606764, HP:0100723.
Hereditary cancer-predisposing syndrome. Also called: Neoplastic Syndromes, Hereditary; Tumor predisposition; Hereditary Cancer Syndrome; Hereditary neoplastic syndrome. Identifiers: Orphanet 140162, MedGen C0027672, MeSH D009386, MONDO:0015356.

Allele frequency attached by ClinVar (database versions not stated): gnomAD exomes below 0.00001; ExAC 0.00001; gnomAD 0.00001; TOPMed 0.00002.
gnomAD v4.1: 7 of 1,569,886 alleles (0.00045%); highest among the groups gnomAD compares: Non-Finnish European, 0.00044%; no homozygotes.

Submissions (3):

Ambry Genetics
Classification: Uncertain significance for Hereditary cancer-predisposing syndrome. Last evaluated: 2025-12-04. Review status: criteria provided, single submitter. Criteria: Ambry Variant Classification Scheme 2023. Collection method: clinical testing. Allele origin: germline.

St. Jude Molecular Pathology, St. Jude Children's Research Hospital
Classification: Uncertain significance for Gastrointestinal stromal tumor. Last evaluated: 2023-11-23. Review status: criteria provided, single submitter. Criteria: St. Jude Assertion Criteria 2020. Collection method: clinical testing. Allele origin: germline.
Comment: The KIT c.1228A>T (p.Asn410Tyr) missense change has a maximum subpopulation frequency of 0.0008% in gnomAD v2.1.1. The in silico tool REVEL predicts a benign effect on protein function, but this prediction has not been confirmed by functional studies. This variant has not been reported in individuals with KIT-related gastrointestinal stromal tumor. In summary, the evidence currently available is insufficient to determine the clinical significance of this variant. It has therefore been classified as of uncertain significance.

GeneDx
Classification: Uncertain significance. Last evaluated: 2023-11-21. Review status: criteria provided, single submitter. Criteria: GeneDx Variant Classification Process June 2021. Collection method: clinical testing. Allele origin: germline. Affected: yes.
Comment: Not observed at significant frequency in large population cohorts (gnomAD); In silico analysis supports that this missense variant does not alter protein structure/function; Has not been previously published as pathogenic or benign to our knowledge

NM_000222.3(KIT):c.1228A>T (p.Asn410Tyr)

Gene: KIT (KIT proto-oncogene, receptor tyrosine kinase; plus strand). Cytogenetic location: 4q12.
Variant type: single nucleotide variant.
Coding change: c.1228A>T on transcript NM_000222.3 (MANE Select); coding-DNA position 1228, A replaced by T.
Protein change: p.Asn410Tyr; replaces asparagine 410 with tyrosine.
Molecular consequence: missense variant.
Genome position (GRCh38, 1-based): chr4:54,709,536, A>T. VCF-style: chr4-54709536-A-T. GRCh37 (hg19) VCF-style: chr4-55575702-A-T.
Other names: c.1228A>T, p.Asn410Tyr (NM_001093772.2, NM_001385285.1, NM_001385286.1); c.1231A>T, p.Asn411Tyr (NM_001385284.1, NM_001385288.1, NM_001385290.1 and 1 more transcripts); short protein forms N410Y, N411Y.
Identifiers: ClinVar variation 1754788 (VCV001754788.4), dbSNP rs111646246, ClinGen allele CA2923411.